The following is an entry in ClinVar:

ClinVar aggregate classification (germline): Uncertain significance (1 of 4 stars; one submission).

Allele frequency attached by ClinVar (database versions not stated): gnomAD 0.00001; gnomAD exomes 0.00001; ExAC 0.00002; TOPMed 0.00002.
gnomAD v4.1: 8 of 1,613,918 alleles (0.0005%); highest among the groups gnomAD compares: East Asian, 0.0022%; no homozygotes.

Submission:

Women's Health and Genetics/Laboratory Corporation of America, LabCorp
Classification: Uncertain significance. Last evaluated: 2023-03-08. Review status: criteria provided, single submitter. Criteria: LabCorp Variant Classification Summary - May 2015. Collection method: clinical testing. Allele origin: germline.
Comment: Variant summary: SPTBN1 c.2168G>A (p.Arg723Gln) results in a conservative amino acid change in the encoded protein sequence. Four of five in-silico tools predict a benign effect of the variant on protein function. The variant allele was found at a frequency of 1.2e-05 in 250730 control chromosomes. The available data on variant occurrences in the general population are insufficient to allow any conclusion about variant significance. To our knowledge, no occurrence of c.2168G>A in individuals affected with Developmental Delay, Impaired Speech, And Behavioral Abnormalities and no experimental evidence demonstrating its impact on protein function have been reported. No submitters have provided clinical-significance assessments for this variant to ClinVar after 2014. Based on the evidence outlined above, the variant was classified as uncertain significance.

NM_003128.3(SPTBN1):c.2168G>A (p.Arg723Gln)

Gene: SPTBN1 (spectrin beta, non-erythrocytic 1; plus strand). Cytogenetic location: 2p16.2.
Variant type: single nucleotide variant.
Coding change: c.2168G>A on transcript NM_003128.3 (MANE Select); coding-DNA position 2168, G replaced by A.
Protein change: p.Arg723Gln; replaces arginine 723 with glutamine.
Molecular consequence: missense variant.
Genome position (GRCh38, 1-based): chr2:54,629,302, G>A. VCF-style: chr2-54629302-G-A. GRCh37 (hg19) VCF-style: chr2-54856439-G-A.
Other names: c.2129G>A, p.Arg710Gln (NM_178313.3); short protein forms R710Q, R723Q.
Identifiers: ClinVar variation 2501140 (VCV002501140.1), dbSNP rs758541003, ClinGen allele CA1660571.